The following is an entry in ClinVar:

NM_004946.3(DOCK2):c.768C>G (p.Asn256Lys)

Gene: DOCK2 (dedicator of cytokinesis 2; plus strand). Cytogenetic location: 5q35.1.
Variant type: single nucleotide variant.
Coding change: c.768C>G on transcript NM_004946.3 (MANE Select); coding-DNA position 768, C replaced by G.
Protein change: p.Asn256Lys; replaces asparagine 256 with lysine.
Molecular consequence: missense variant. On other transcripts: non-coding transcript variant (1).
Genome position (GRCh38, 1-based): chr5:169,689,258, C>G. VCF-style: chr5-169689258-C-G. GRCh37 (hg19) VCF-style: chr5-169116262-C-G.
Other names: short protein forms N256K.
Identifiers: ClinVar variation 2182508 (VCV002182508.2), dbSNP rs145405039, ClinGen allele CA3553254.

ClinVar aggregate classification (germline): Uncertain significance. Review status: criteria provided, multiple submitters, no conflicts (2 of 4 stars). 2 submissions from 2 submitters: Uncertain significance (2). Last evaluated 2024-03-20.

Conditions:
DOCK2 deficiency. Also called: Immunodeficiency 40. Identifiers: Orphanet 447737, MedGen C4225328, MONDO:0014637, OMIM 616433.

Allele frequency attached by ClinVar (database versions not stated): ExAC 0.00001; gnomAD exomes 0.00002; gnomAD 0.00003; TOPMed 0.00003; ESP Exome Variant Server 0.00015.
gnomAD v4.1: 29 of 1,613,996 alleles (0.0018%); highest among the groups gnomAD compares: Non-Finnish European, 0.0024%; no homozygotes.

Submissions (2):

Blueprint Genetics
Classification: Uncertain significance. Last evaluated: 2024-03-20. Review status: criteria provided, single submitter. Criteria: ACMG Guidelines, 2015. Collection method: clinical testing. Allele origin: germline.

Labcorp Genetics (formerly Invitae), Labcorp
Classification: Uncertain significance for DOCK2 deficiency. Last evaluated: 2022-08-09. Review status: criteria provided, single submitter. Criteria: Invitae Variant Classification Sherloc (09022015). Collection method: clinical testing. Allele origin: germline.
Comment: This sequence change replaces asparagine, which is neutral and polar, with lysine, which is basic and polar, at codon 256 of the DOCK2 protein (p.Asn256Lys). This variant is present in population databases (rs145405039, gnomAD 0.004%). This variant has not been reported in the literature in individuals affected with DOCK2-related conditions. Algorithms developed to predict the effect of missense changes on protein structure and function (SIFT, PolyPhen-2, Align-GVGD) all suggest that this variant is likely to be disruptive. In summary, the available evidence is currently insufficient to determine the role of this variant in disease. Therefore, it has been classified as a Variant of Uncertain Significance.